The following is an entry in ClinVar:

NM_001267550.2(TTN):c.49991C>T (p.Thr16664Ile)

Genes: TTN (titin; minus strand), TTN-AS1 (TTN antisense RNA 1; plus strand). Cytogenetic location: 2q31.2.
Variant type: single nucleotide variant.
Coding change: c.49991C>T on transcript NM_001267550.2 (MANE Select); coding-DNA position 49991, C replaced by T.
Protein change: p.Thr16664Ile; replaces threonine 16664 with isoleucine.
Molecular consequence: missense variant.
Genome position (GRCh38, 1-based): chr2:178,612,534, G>A on the plus strand (C>T on the coding strand, the complement: TTN is on the minus strand). VCF-style: chr2-178612534-G-A. GRCh37 (hg19) VCF-style: chr2-179477261-G-A.
Other names: c.45068C>T, p.Thr15023Ile (NM_001256850.1); c.22796C>T, p.Thr7599Ile (NM_003319.4); c.42287C>T, p.Thr14096Ile (NM_133378.4); c.23171C>T, p.Thr7724Ile (NM_133432.3); c.23372C>T, p.Thr7791Ile (NM_133437.4); short protein forms T14096I, T15023I, T16664I, T7599I, T7724I, T7791I.
Identifiers: ClinVar variation 3370736 (VCV003370736.1).

ClinVar aggregate classification (germline): Uncertain significance (1 of 4 stars; one submission).

gnomAD v4.1: 5 of 1,611,612 alleles (0.00031%); highest among the groups gnomAD compares: Middle Eastern, 0.017%; no homozygotes.

Submission:

GeneDx
Classification: Uncertain significance. Last evaluated: 2024-03-12. Review status: criteria provided, single submitter. Criteria: GeneDx Variant Classification Process June 2021. Collection method: clinical testing. Allele origin: germline. Affected: yes.
Comment: Not observed at significant frequency in large population cohorts (gnomAD); Missense variant in a gene in which most reported pathogenic variants are truncating/loss of function; Has not been previously published as pathogenic or benign to our knowledge